The following is an entry in ClinVar:

NM_001164508.2(NEB):c.1570-1G>C

Gene: NEB (nebulin; minus strand). Cytogenetic location: 2q23.3.
Variant type: single nucleotide variant.
Coding change: c.1570-1G>C on transcript NM_001164508.2 (MANE Select); the canonical splice acceptor site of the intron before coding-DNA position 1570, G replaced by C.
Molecular consequence: splice acceptor variant.
Genome position (GRCh38, 1-based): chr2:151,695,683, C>G on the plus strand (G>C on the coding strand, the complement: NEB is on the minus strand). VCF-style: chr2-151695683-C-G. GRCh37 (hg19) VCF-style: chr2-152552197-C-G.
Other names: c.1570-1G>C (NM_001271208.1, NM_001271208.2, NM_004543.5 and 1 more transcripts).
Identifiers: ClinVar variation 1496442 (VCV001496442.10), dbSNP rs1390328608, ClinGen allele CA348825051.

ClinVar aggregate classification (germline): Likely pathogenic. Review status: criteria provided, multiple submitters, no conflicts (2 of 4 stars). 3 submissions from 3 submitters: Likely pathogenic (3). Last evaluated 2026-02-13.

Conditions:
Nemaline myopathy 2 (NEM2). Also called: Nemaline myopathy 2, autosomal recessive. Identifiers: MedGen C1850569, MONDO:0009725, OMIM 256030.
Arthrogryposis multiplex congenita 6. Identifiers: MedGen C5543431, MONDO:0030281, OMIM 619334.

Allele frequency attached by ClinVar (database versions not stated): gnomAD exomes below 0.00001.
gnomAD v4.1: 1 of 1,605,520 alleles (0.000062%); highest among the groups gnomAD compares: Non-Finnish European, 0.000085%; no homozygotes.

Submissions (3):

Myriad Genetics, Inc.
Classification: Likely pathogenic for Nemaline myopathy 2. Last evaluated: 2026-02-13. Review status: criteria provided, single submitter. Criteria: Myriad Autosomal Dominant, Autosomal Recessive and X-Linked Classification Criteria (2023). Collection method: clinical testing. Allele origin: unknown.
Comment: NM_001271208.1(NEB):c.1570-1G>C is a variant in a canonical splice site classified as likely pathogenic in the context of NEB-related nemaline myopathy. c.1570-1G>C has not been observed in cases with relevant disease. Relevant functional assessments of this variant are not available in the literature. c.1570-1G>C has been observed in referenced population frequency databases. Please note: this variant was assessed in the context of healthy population screening.

Baylor Genetics
Classification: Likely pathogenic for Arthrogryposis multiplex congenita 6. Last evaluated: 2024-03-26. Review status: criteria provided, single submitter. Criteria: ACMG Guidelines, 2015. Collection method: clinical testing. Allele origin: unknown.

Labcorp Genetics (formerly Invitae), Labcorp
Classification: Likely pathogenic for Nemaline myopathy 2. Last evaluated: 2020-11-27. Review status: criteria provided, single submitter. Criteria: Invitae Variant Classification Sherloc (09022015). Collection method: clinical testing. Allele origin: germline.
Comment: In summary, the currently available evidence indicates that the variant is pathogenic, but additional data are needed to prove that conclusively. Therefore, this variant has been classified as Likely Pathogenic. Algorithms developed to predict the effect of sequence changes on RNA splicing suggest that this variant may disrupt the consensus splice site, but this prediction has not been confirmed by published transcriptional studies. This variant has not been reported in the literature in individuals with NEB-related conditions. This variant is not present in population databases (ExAC no frequency). This sequence change affects an acceptor splice site in intron 17 of the NEB gene. It is expected to disrupt RNA splicing. Variants that disrupt the donor or acceptor splice site typically lead to a loss of protein function (PMID: 16199547), and loss-of-function variants in NEB are known to be pathogenic (PMID: 25205138).

Literature cited by the submitters: PubMed 16199547 (cited by Labcorp Genetics (formerly Invitae), Labcorp); PubMed 25205138 (cited by Labcorp Genetics (formerly Invitae), Labcorp).